The following is an entry in ClinVar:

NM_004260.4(RECQL4):c.2354C>T (p.Ala785Val)

Gene: RECQL4 (RecQ like helicase 4; minus strand). Cytogenetic location: 8q24.3.
Variant type: single nucleotide variant.
Coding change: c.2354C>T on transcript NM_004260.4 (MANE Select); coding-DNA position 2354, C replaced by T.
Protein change: p.Ala785Val; replaces alanine 785 with valine.
Molecular consequence: missense variant.
Genome position (GRCh38, 1-based): chr8:144,513,327, G>A on the plus strand (C>T on the coding strand, the complement: RECQL4 is on the minus strand). VCF-style: chr8-144513327-G-A. GRCh37 (hg19) VCF-style: chr8-145738710-G-A.
Other names: short protein forms A785V.
Identifiers: ClinVar variation 948679 (VCV000948679.6), dbSNP rs1827614027, ClinGen allele CA372678296.

ClinVar aggregate classification (germline): Uncertain significance (1 of 4 stars; one submission).

Conditions:
Baller-Gerold syndrome (BGS). Also called: CRANIOSYNOSTOSIS WITH RADIAL DEFECTS. Identifiers: Orphanet 1225, MedGen C0265308, MONDO:0009039, OMIM 218600.

Submission:

Labcorp Genetics (formerly Invitae), Labcorp
Classification: Uncertain significance for Baller-Gerold syndrome. Last evaluated: 2021-10-06. Review status: criteria provided, single submitter. Criteria: Invitae Variant Classification Sherloc (09022015). Collection method: clinical testing. Allele origin: germline.
Comment: In summary, the available evidence is currently insufficient to determine the role of this variant in disease. Therefore, it has been classified as a Variant of Uncertain Significance. Algorithms developed to predict the effect of missense changes on protein structure and function are either unavailable or do not agree on the potential impact of this missense change (SIFT: "Not Available"; PolyPhen-2: "Not Available"; Align-GVGD: "Not Available"). This variant has not been reported in the literature in individuals affected with RECQL4-related conditions. This variant is not present in population databases (ExAC no frequency). This sequence change replaces alanine with valine at codon 785 of the RECQL4 protein (p.Ala785Val). The alanine residue is moderately conserved and there is a small physicochemical difference between alanine and valine.